The following is an entry in ClinVar:

NM_003482.4(KMT2D):c.11401A>T (p.Met3801Leu)

Gene: KMT2D (lysine methyltransferase 2D; minus strand). Cytogenetic location: 12q13.12.
Variant type: single nucleotide variant.
Coding change: c.11401A>T on transcript NM_003482.4 (MANE Select); coding-DNA position 11401, A replaced by T.
Protein change: p.Met3801Leu; replaces methionine 3801 with leucine.
Molecular consequence: missense variant.
Genome position (GRCh38, 1-based): chr12:49,033,304, T>A on the plus strand (A>T on the coding strand, the complement: KMT2D is on the minus strand). VCF-style: chr12-49033304-T-A. GRCh37 (hg19) VCF-style: chr12-49427087-T-A.
Other names: short protein forms M3801L.
Identifiers: ClinVar variation 1358437 (VCV001358437.8), dbSNP rs564097272, ClinGen allele CA384719091.

ClinVar aggregate classification (germline): Uncertain significance (1 of 4 stars; one submission).

Conditions:
Kabuki syndrome. Also called: NIIKAWA-KUROKI SYNDROME; Kabuki make-up syndrome. Identifiers: Orphanet 2322, MedGen C0796004, MONDO:0016512.

Submission:

Labcorp Genetics (formerly Invitae), Labcorp
Classification: Uncertain significance for Kabuki syndrome. Last evaluated: 2020-12-21. Review status: criteria provided, single submitter. Criteria: Invitae Variant Classification Sherloc (09022015). Collection method: clinical testing. Allele origin: germline.
Comment: This sequence change replaces methionine with leucine at codon 3801 of the KMT2D protein (p.Met3801Leu). The methionine residue is weakly conserved and there is a small physicochemical difference between methionine and leucine. This variant is not present in population databases (ExAC no frequency). In summary, the available evidence is currently insufficient to determine the role of this variant in disease. Therefore, it has been classified as a Variant of Uncertain Significance. Advanced modeling of protein sequence and biophysical properties (such as structural, functional, and spatial information, amino acid conservation, physicochemical variation, residue mobility, and thermodynamic stability) performed at Invitae indicates that this missense variant is not expected to disrupt KMT2D protein function. This variant has not been reported in the literature in individuals with KMT2D-related conditions.